The following is an entry in ClinVar:

NM_001042492.3(NF1):c.2059C>G (p.Leu687Val)

Gene: NF1 (neurofibromin 1; plus strand). Cytogenetic location: 17q11.2.
Variant type: single nucleotide variant.
Coding change: c.2059C>G on transcript NM_001042492.3 (MANE Select); coding-DNA position 2059, C replaced by G.
Protein change: p.Leu687Val; replaces leucine 687 with valine.
Molecular consequence: missense variant.
Genome position (GRCh38, 1-based): chr17:31,226,492, C>G. VCF-style: chr17-31226492-C-G. GRCh37 (hg19) VCF-style: chr17-29553510-C-G.
Other names: c.2059C>G, p.Leu687Val (NM_000267.4); short protein forms L687V.
Identifiers: ClinVar variation 1019047 (VCV001019047.5), dbSNP rs1597712422, ClinGen allele CA398982120.

ClinVar aggregate classification (germline): Uncertain significance (1 of 4 stars; one submission).

Conditions:
Neurofibromatosis, type 1 (NF1). Also called: VON RECKLINGHAUSEN DISEASE; Neurofibromatosis, type I; NEUROFIBROMATOSIS, TYPE I, SOMATIC; Peripheral type neurofibromatosis. Identifiers: Orphanet 636, MedGen C0027831, MONDO:0018975, OMIM 162200. Disease mechanism: loss of function.

Submission:

Labcorp Genetics (formerly Invitae), Labcorp
Classification: Uncertain significance for Neurofibromatosis, type 1. Last evaluated: 2020-02-11. Review status: criteria provided, single submitter. Criteria: Invitae Variant Classification Sherloc (09022015). Collection method: clinical testing. Allele origin: germline.
Comment: In summary, the available evidence is currently insufficient to determine the role of this variant in disease. Therefore, it has been classified as a Variant of Uncertain Significance. Algorithms developed to predict the effect of missense changes on protein structure and function are either unavailable or do not agree on the potential impact of this missense change (SIFT: "Tolerated"; PolyPhen-2: "Probably Damaging"; Align-GVGD: "Class C0"). This variant has not been reported in the literature in individuals with NF1-related conditions. This variant is not present in population databases (ExAC no frequency). This sequence change replaces leucine with valine at codon 687 of the NF1 protein (p.Leu687Val). The leucine residue is moderately conserved and there is a small physicochemical difference between leucine and valine.